The following is an entry in ClinVar:

NM_001378418.1(TCF20):c.2230G>A (p.Gly744Ser)

Gene: TCF20 (transcription factor 20; minus strand). Cytogenetic location: 22q13.2.
Variant type: single nucleotide variant.
Coding change: c.2230G>A on transcript NM_001378418.1 (MANE Select); coding-DNA position 2230, G replaced by A.
Protein change: p.Gly744Ser; replaces glycine 744 with serine.
Molecular consequence: missense variant.
Genome position (GRCh38, 1-based): chr22:42,213,076, C>T on the plus strand (G>A on the coding strand, the complement: TCF20 is on the minus strand). VCF-style: chr22-42213076-C-T. GRCh37 (hg19) VCF-style: chr22-42609082-C-T.
Other names: c.2230G>A, p.Gly744Ser (NM_005650.4, NM_181492.3); short protein forms G744S.
Identifiers: ClinVar variation 1806250 (VCV001806250.1), dbSNP rs1601599415, ClinGen allele CA411789119.

ClinVar aggregate classification (germline): Uncertain significance (1 of 4 stars; one submission).

Conditions:
Developmental delay with variable intellectual impairment and behavioral abnormalities. Identifiers: MedGen C5193092, MONDO:0032745, OMIM 618430.

Allele frequency attached by ClinVar (database versions not stated): gnomAD exomes below 0.00001.
gnomAD v4.1: 1 of 1,614,116 alleles (0.000062%); highest among the groups gnomAD compares: South Asian, 0.0011%; no homozygotes.

Submission:

Victorian Clinical Genetics Services, Murdoch Childrens Research Institute
Classification: Uncertain significance for Developmental delay with variable intellectual impairment and behavioral abnormalities. Last evaluated: 2020-06-11. Review status: criteria provided, single submitter. Criteria: ACMG Guidelines, 2015. Collection method: clinical testing. Allele origin: germline. Inheritance: Autosomal dominant inheritance. Affected: yes.
Comment: Based on the classification scheme VCGS_Germline_v1.1.1, this variant is classified as 3C-VUS. Following criteria are met: 0102 - Loss-of-function is a known mechanism of disease for this gene. (N) 0107 - This gene is known to be associated with autosomal dominant disease. (N) 0200 - Variant is predicted to result in a missense amino acid change from glycine to serine (exon 2). (N) 0251 - Variant is heterozygous. (N) 0301 - Variant is absent from gnomAD. (P) 0503 - Missense variant consistently predicted to be tolerated or not conserved in mammals with a minor amino acid change. (B) 0604 - Variant is not located in an established domain, motif, hotspot or informative constraint region. (N) 0705 - No comparable variants have previous evidence for pathogenicity. (N) 0807 - Variant has not previously been reported in a clinical context. (N) 0905 - No segregation evidence has been identified for this variant. (N) 1007 - No published functional evidence has been identified for this variant. (N) 1208 - Inheritance information for this variant is not currently available. (N) Legend: (P) - Pathogenic, (N) - Neutral, (B) - Benign